The following is an entry in ClinVar:

NM_002161.6(IARS1):c.1999G>A (p.Val667Ile)

Gene: IARS1 (isoleucyl-tRNA synthetase 1; minus strand). Cytogenetic location: 9q22.31.
Variant type: single nucleotide variant.
Coding change: c.1999G>A on transcript NM_002161.6 (MANE Select); coding-DNA position 1999, G replaced by A.
Protein change: p.Val667Ile; replaces valine 667 with isoleucine.
Molecular consequence: missense variant. On other transcripts: non-coding transcript variant (1).
Genome position (GRCh38, 1-based): chr9:92,258,871, C>T on the plus strand (G>A on the coding strand, the complement: IARS1 is on the minus strand). VCF-style: chr9-92258871-C-T. GRCh37 (hg19) VCF-style: chr9-95021153-C-T.
Other names: c.1999G>A, p.Val667Ile (NM_001374299.1, NM_001374300.1, NM_001378572.1 and 13 more transcripts); c.1915G>A, p.Val639Ile (NM_001374301.1); c.2062G>A, p.Val688Ile (NM_001378569.1); c.2020G>A, p.Val674Ile (NM_001378571.1); c.1876G>A, p.Val626Ile (NM_001378583.1); c.1999G>A (NM_013417.2); short protein forms V626I, V667I, V674I, V688I, V639I.
Identifiers: ClinVar variation 2063414 (VCV002063414.2), dbSNP rs777119092, ClinGen allele CA5122431.
Genomic context (GRCh38, chr9:92,258,871, plus strand): 5'-TGGAGACACGGCAGGTACATGTGCAGCCCCCTACAGCCCATACCTTCTGGAGCCTCAGAA[C>T]GTTCTGGATTAAGAAGCGATAGGCATTGTACCATGGGAGCAGTACATCCTTAAGGACGTC-3'
Protein context (NP_002152.2, residues 657-677): YNAYRFLIQN[Val667Ile]LRLQKEEEIE

ClinVar aggregate classification (germline): Uncertain significance. Review status: criteria provided, multiple submitters, no conflicts (2 of 4 stars). 2 submissions from 2 submitters: Uncertain significance (2). Last evaluated 2025-02-22.

Allele frequency attached by ClinVar (database versions not stated): ExAC 0.00001; gnomAD 0.00001.
gnomAD v4.1: 30 of 1,610,778 alleles (0.0019%); highest among the groups gnomAD compares: Middle Eastern, 0.034%; no homozygotes.

Submissions (2):

Ambry Genetics
Classification: Uncertain significance. Last evaluated: 2025-02-22. Review status: criteria provided, single submitter. Criteria: Ambry Variant Classification Scheme 2023. Collection method: clinical testing. Allele origin: germline.

Labcorp Genetics (formerly Invitae), Labcorp
Classification: Uncertain significance. Last evaluated: 2022-04-15. Review status: criteria provided, single submitter. Criteria: Invitae Variant Classification Sherloc (09022015). Collection method: clinical testing. Allele origin: germline.
Comment: This sequence change replaces valine, which is neutral and non-polar, with isoleucine, which is neutral and non-polar, at codon 667 of the IARS protein (p.Val667Ile). This variant is present in population databases (rs777119092, gnomAD 0.006%). This variant has not been reported in the literature in individuals affected with IARS-related conditions. Algorithms developed to predict the effect of missense changes on protein structure and function output the following: SIFT: "Tolerated"; PolyPhen-2: "Benign"; Align-GVGD: "Class C0". The isoleucine amino acid residue is found in multiple mammalian species, which suggests that this missense change does not adversely affect protein function. In summary, the available evidence is currently insufficient to determine the role of this variant in disease. Therefore, it has been classified as a Variant of Uncertain Significance.